The following is an entry in ClinVar:

ClinVar aggregate classification (germline): Pathogenic/Likely pathogenic. Review status: criteria provided, multiple submitters, no conflicts (2 of 4 stars). 5 submissions from 5 submitters: Pathogenic (2); Likely pathogenic (3). Last evaluated 2024-10-30.

Conditions:
Neurofibromatosis, type 1 (NF1). Also called: VON RECKLINGHAUSEN DISEASE; NEUROFIBROMATOSIS, TYPE I, SOMATIC; Peripheral type neurofibromatosis; Neurofibromatosis, type I. Identifiers: Orphanet 636, MedGen C0027831, MONDO:0018975, OMIM 162200. Disease mechanism: loss of function.

Submissions (5):

GeneDx
Classification: Likely pathogenic. Last evaluated: 2024-10-30. Review status: criteria provided, single submitter. Criteria: GeneDx Variant Classification Process June 2021. Collection method: clinical testing. Allele origin: germline. Affected: yes.
Comment: The c.5206-14 C>G variant has not been published as a pathogenic variant, nor has it been reported as a benign variant to our knowledge. The variant is not observed in large population cohorts (Lek et al., 2016). Several in silico splice prediction models predict that c.5206-14 C>G creates a cryptic acceptor site which may supplant the natural acceptor site and lead to abnormal gene splicing. However, in the absence of RNA/functional studies, the actual effect of this sequence change in this individual is unknown. Therefore, based on the currently available information, it is unclear whether this variant is a pathogenic variant or a rare benign variant.

Institute of Human Genetics, University of Leipzig Medical Center
Classification: Likely pathogenic for Neurofibromatosis, type 1. Last evaluated: 2023-07-03. Review status: criteria provided, single submitter. Criteria: ACMG Guidelines, 2015. Collection method: clinical testing. Allele origin: maternal. Inheritance: Autosomal dominant inheritance. Affected: yes.
Comment: Criteria applied: PS3_MOD,PS4_MOD,PM2_SUP,PP3,PP4

Labcorp Genetics (formerly Invitae), Labcorp
Classification: Pathogenic for Neurofibromatosis, type 1. Last evaluated: 2022-08-31. Review status: criteria provided, single submitter. Criteria: Invitae Variant Classification Sherloc (09022015). Collection method: clinical testing. Allele origin: germline.
Comment: Studies have shown that this variant results in activation of a cryptic splice site and introduces a premature termination codon (PMID: 32126153). The resulting mRNA is expected to undergo nonsense-mediated decay. This variant has been observed in individual(s) with clinical features of neurofibromatosis type 1 and/or neurofibromatosis type 1 (PMID: 32126153; Invitae). In at least one individual the variant was observed to be de novo. ClinVar contains an entry for this variant (Variation ID: 561680). This variant is not present in population databases (gnomAD no frequency). This sequence change falls in intron 36 of the NF1 gene. It does not directly change the encoded amino acid sequence of the NF1 protein. RNA analysis indicates that this variant induces altered splicing and may result in an absent or disrupted protein product. For these reasons, this variant has been classified as Pathogenic.

MGZ Medical Genetics Center
Classification: Likely pathogenic for Neurofibromatosis, type 1. Last evaluated: 2022-08-08. Review status: criteria provided, single submitter. Criteria: ACMG Guidelines, 2015. Collection method: clinical testing. Allele origin: germline. Affected: yes. Observed: 1 variant allele.
Comment: ACMG criteria applied: PS4, PS3_MOD, PM2_SUP, PP4

UAB Medical Genomics Laboratory, UAB Medicine
Classification: Pathogenic for Neurofibromatosis, type 1. Last evaluated: 2020-01-20. Review status: criteria provided, single submitter. Criteria: ACMG Guidelines, 2015. Collection method: clinical testing. Allele origin: germline. Affected: yes.

Literature cited by the submitters: PubMed 32126153 (cited by Labcorp Genetics (formerly Invitae), Labcorp and UAB Medical Genomics Laboratory, UAB Medicine).

NM_001042492.3(NF1):c.5269-14C>G

Gene: NF1 (neurofibromin 1; plus strand). Cytogenetic location: 17q11.2.
Variant type: single nucleotide variant.
Coding change: c.5269-14C>G on transcript NM_001042492.3 (MANE Select); 14 bases into the intron before coding-DNA position 5269, C replaced by G.
Molecular consequence: intron variant.
Genome position (GRCh38, 1-based): chr17:31,327,485, C>G. VCF-style: chr17-31327485-C-G. GRCh37 (hg19) VCF-style: chr17-29654503-C-G.
Other names: c.5206-14C>G (NM_000267.4).
Identifiers: ClinVar variation 561680 (VCV000561680.12), dbSNP rs753463683, ClinGen allele CA658824034.